The following is an entry in ClinVar:

ClinVar aggregate classification (germline): Benign/Likely benign. Review status: criteria provided, multiple submitters, no conflicts (2 of 4 stars). 10 submissions from 8 submitters: Benign (9); Likely benign (1). Last evaluated 2025-04-25.

Conditions:
Hereditary cancer-predisposing syndrome. Also called: Hereditary Cancer Syndrome; Hereditary neoplastic syndrome; Neoplastic Syndromes, Hereditary; Tumor predisposition. Identifiers: Orphanet 140162, MedGen C0027672, MeSH D009386, MONDO:0015356.
Pheochromocytoma/paraganglioma syndrome 5. Also called: Paragangliomas 5; SDHA-Related Hereditary Paraganglioma-Pheochromocytoma Syndrome. Identifiers: Orphanet 29072, MedGen C3279992, MONDO:0013602, OMIM 614165.
Hereditary pheochromocytoma and paraganglioma. Also called: Hereditary Paraganglioma-Pheochromocytoma Syndromes; Hereditary pheochromocytoma-paraganglioma; Hereditary paragangliomas and pheochromocytomas. Identifiers: Orphanet 29072, MedGen C4274332, MONDO:0017366.
Leigh syndrome (NULS). Also called: Leigh's syndrome; LEIGH SYNDROME, NUCLEAR; Leigh's necrotizing encephalopathy; Leigh's disease; Leigh Syndrome (mtDNA deletion); Leigh Disease. Identifiers: Orphanet 506, MedGen C2931891, MONDO:0009723, OMIM 256000.
Mitochondrial complex II deficiency, nuclear type 1. Also called: SUCCINATE CoQ REDUCTASE DEFICIENCY. Identifiers: Orphanet 3208, MedGen C5700310, MONDO:0100294, OMIM 252011.

Allele frequency attached by ClinVar (database versions not stated): gnomAD exomes 0.00296; ExAC 0.00466; ESP Exome Variant Server 0.00770; gnomAD 0.01501; TOPMed 0.01656; 1000 Genomes Project 0.02057; 1000 Genomes Project 30x 0.02186.
gnomAD v4.1: 4,267 of 1,458,606 alleles (0.29%); highest among the groups gnomAD compares: African/African-American, 5.4%; 101 homozygotes.

Submissions (10):

Quest Diagnostics Nichols Institute San Juan Capistrano
Classification: Benign. Last evaluated: 2025-04-25. Review status: criteria provided, single submitter. Criteria: Quest Diagnostics criteria. Collection method: clinical testing. Allele origin: unknown.

Myriad Genetics, Inc.
Classification: Benign for Pheochromocytoma/paraganglioma syndrome 5. Last evaluated: 2025-02-27. Review status: criteria provided, single submitter. Criteria: Myriad Autosomal Dominant, Autosomal Recessive and X-Linked Classification Criteria (2023). Collection method: clinical testing. Allele origin: unknown.
Comment: This variant is considered benign. This variant is intronic and is not expected to impact mRNA splicing. This variant has been observed at a population frequency that is significantly greater than expected given the associated disease prevalence and penetrance.

Mayo Clinic Laboratories, Mayo Clinic
Classification: Benign. Last evaluated: 2023-12-23. Review status: criteria provided, single submitter. Criteria: ACMG Guidelines, 2015. Collection method: clinical testing. Allele origin: germline. Observed: 18 variant alleles.

Department of Pathology and Laboratory Medicine, Sinai Health System
Classification: Benign for Leigh syndrome. Last evaluated: 2022-09-09. Review status: criteria provided, single submitter. Criteria: ACMG Guidelines, 2015. Collection method: clinical testing. Allele origin: germline. Affected: yes.

Illumina Laboratory Services, Illumina
Classification: Benign for Hereditary Paraganglioma-Pheochromocytoma Syndromes. Last evaluated: 2018-01-13. Review status: criteria provided, single submitter. Criteria: ICSL Variant Classification Criteria 13 December 2019. Collection method: clinical testing. Allele origin: germline.
Comment: This variant was observed in the ICSL laboratory as part of a predisposition screen in an ostensibly healthy population. It had not been previously curated by ICSL or reported in the Human Gene Mutation Database (HGMD: prior to June 1st, 2018), and was therefore a candidate for classification through an automated scoring system. Utilizing variant allele frequency, disease prevalence and penetrance estimates, and inheritance mode, an automated score was calculated to assess if this variant is too frequent to cause the disease. Based on the score and internal cut-off values, a variant classified as benign is not then subjected to further curation. The score for this variant resulted in a classification of benign for this disease.

Illumina Laboratory Services, Illumina
Classification: Benign for Leigh syndrome. Last evaluated: 2018-01-13. Review status: criteria provided, single submitter. Criteria: ICSL Variant Classification Criteria 13 December 2019. Collection method: clinical testing. Allele origin: germline.
Comment: the same text as in the submission from Illumina Laboratory Services, Illumina above.

Illumina Laboratory Services, Illumina
Classification: Likely benign for Mitochondrial complex II deficiency, nuclear type 1. Last evaluated: 2018-01-13. Review status: criteria provided, single submitter. Criteria: ICSL Variant Classification Criteria 13 December 2019. Collection method: clinical testing. Allele origin: germline.
Comment: This variant was observed in the ICSL laboratory as part of a predisposition screen in an ostensibly healthy population. It had not been previously curated by ICSL or reported in the Human Gene Mutation Database (HGMD: prior to June 1st, 2018), and was therefore a candidate for classification through an automated scoring system. Utilizing variant allele frequency, disease prevalence and penetrance estimates, and inheritance mode, an automated score was calculated to assess if this variant is too frequent to cause the disease. Based on the score and internal cut-off values, a variant classified as likely benign is not then subjected to further curation. The score for this variant resulted in a classification of likely benign for this disease.

GeneDx
Classification: Benign. Last evaluated: 2016-02-08. Review status: criteria provided, single submitter. Criteria: GeneDx Variant Classification (06012015). Collection method: clinical testing. Allele origin: germline. Affected: yes.
Comment: This variant is considered likely benign or benign based on one or more of the following criteria: it is a conservative change, it occurs at a poorly conserved position in the protein, it is predicted to be benign by multiple in silico algorithms, and/or has population frequency not consistent with disease.

Ambry Genetics
Classification: Benign for Hereditary cancer-predisposing syndrome. Last evaluated: 2014-12-09. Review status: criteria provided, single submitter. Criteria: Ambry Variant Classification Scheme 2023. Collection method: clinical testing. Allele origin: germline.

PreventionGenetics, part of Exact Sciences
Classification: Benign. Review status: criteria provided, single submitter. Criteria: ACMG Guidelines, 2015. Collection method: clinical testing. Allele origin: germline.

NM_004168.4(SDHA):c.-4A>G

Gene: SDHA (succinate dehydrogenase complex flavoprotein subunit A; plus strand). Cytogenetic location: 5p15.33.
Variant type: single nucleotide variant.
Coding change: c.-4A>G on transcript NM_004168.4 (MANE Select); 4 bases upstream of the start codon, A replaced by G.
Molecular consequence: 5 prime UTR variant.
Genome position (GRCh38, 1-based): chr5:218,352, A>G. VCF-style: chr5-218352-A-G. GRCh37 (hg19) VCF-style: chr5-218467-A-G.
Other names: c.-4A>G (NM_001294332.2, NM_001330758.2).
Identifiers: ClinVar variation 259243 (VCV000259243.16), dbSNP rs377134185, ClinGen allele CA3172670.